The following is an entry in ClinVar:

ClinVar aggregate classification (germline): Uncertain significance (1 of 4 stars; one submission).

gnomAD v4.1: 10 of 1,583,252 alleles (0.00063%); highest among the groups gnomAD compares: South Asian, 0.0011%; no homozygotes.

Submission:

Ambry Genetics
Classification: Uncertain significance. Last evaluated: 2024-12-07. Review status: criteria provided, single submitter. Criteria: Ambry Variant Classification Scheme 2023. Collection method: clinical testing. Allele origin: germline.
Comment: The p.R1724Q variant (also known as c.5171G>A), located in coding exon 22 of the WNK2 gene, results from a G to A substitution at nucleotide position 5171. The arginine at codon 1724 is replaced by glutamine, an amino acid with highly similar properties. This amino acid position is conserved. In addition, this alteration is predicted to be tolerated by in silico analysis. Based on the available evidence, the clinical significance of this variant remains unclear.

NM_006648.4(WNK2):c.5171G>A (p.Arg1724Gln)

Gene: WNK2 (WNK lysine deficient protein kinase 2; plus strand). Cytogenetic location: 9q22.31.
Variant type: single nucleotide variant.
Coding change: c.5171G>A on transcript NM_006648.4 (MANE Select); coding-DNA position 5171, G replaced by A.
Protein change: p.Arg1724Gln; replaces arginine 1724 with glutamine.
Molecular consequence: missense variant.
Genome position (GRCh38, 1-based): chr9:93,292,636, G>A. VCF-style: chr9-93292636-G-A. GRCh37 (hg19) VCF-style: chr9-96054918-G-A.
Other names: c.5282G>A, p.Arg1761Gln (NM_001282394.3); short protein forms R1724Q, R1761Q.
Identifiers: ClinVar variation 3470633 (VCV003470633.1).